The following is an entry in ClinVar:

ClinVar aggregate classification (germline): Conflicting classifications of pathogenicity. Review status: criteria provided, conflicting classifications (1 of 4 stars). 2 submissions from 2 submitters: Uncertain significance (1); Likely benign (1). Last evaluated 2025-03-19.

Conditions:
Hereditary cancer-predisposing syndrome. Also called: Hereditary Cancer Syndrome; Neoplastic Syndromes, Hereditary; Tumor predisposition; Hereditary neoplastic syndrome. Identifiers: Orphanet 140162, MedGen C0027672, MeSH D009386, MONDO:0015356.

Submissions (2):

Labcorp Genetics (formerly Invitae), Labcorp
Classification: Uncertain significance. Last evaluated: 2025-03-19. Review status: criteria provided, single submitter. Criteria: Invitae Variant Classification Sherloc (09022015). Collection method: clinical testing. Allele origin: germline.
Comment: This sequence change replaces lysine, which is basic and polar, with threonine, which is neutral and polar, at codon 256 of the FH protein (p.Lys256Thr). This variant is not present in population databases (gnomAD no frequency). This variant has not been reported in the literature in individuals affected with FH-related conditions. ClinVar contains an entry for this variant (Variation ID: 480829). Invitae Evidence Modeling of protein sequence and biophysical properties (such as structural, functional, and spatial information, amino acid conservation, physicochemical variation, residue mobility, and thermodynamic stability) indicates that this missense variant is not expected to disrupt FH protein function with a negative predictive value of 95%. In summary, the available evidence is currently insufficient to determine the role of this variant in disease. Therefore, it has been classified as a Variant of Uncertain Significance.

Ambry Genetics
Classification: Likely benign for Hereditary cancer-predisposing syndrome. Last evaluated: 2016-05-09. Review status: criteria provided, single submitter. Criteria: Ambry Variant Classification Scheme 2023. Collection method: clinical testing. Allele origin: germline.

NM_000143.4(FH):c.767A>C (p.Lys256Thr)

Gene: FH (fumarate hydratase; minus strand). Cytogenetic location: 1q43.
Variant type: single nucleotide variant.
Coding change: c.767A>C on transcript NM_000143.4 (MANE Select); coding-DNA position 767, A replaced by C.
Protein change: p.Lys256Thr; replaces lysine 256 with threonine.
Molecular consequence: missense variant.
Genome position (GRCh38, 1-based): chr1:241,506,140, T>G on the plus strand (A>C on the coding strand, the complement: FH is on the minus strand). VCF-style: chr1-241506140-T-G. GRCh37 (hg19) VCF-style: chr1-241669440-T-G.
Other names: short protein forms K256T.
Identifiers: ClinVar variation 480829 (VCV000480829.10), dbSNP rs978988174, ClinGen allele CA40328261.
Genomic context (GRCh38, chr1:241,506,140, plus strand): 5'-CCTCCAGCTGCGAGCTCATAGATTCTTGGCATGGCAGCTTTTATTCTTGTCATTGCATAT[T>G]TTACTTGTTGAACATAACCACTAAATTCCTGAAAAGAAAAGAAAATTAAGGTAAGAATAA-3'
Protein context (NP_000134.2, residues 246-266): QEFSGYVQQV[Lys256Thr]YAMTRIKAAM